The following is an entry in ClinVar:

ClinVar aggregate classification (germline): Uncertain significance (1 of 4 stars; one submission).

Conditions:
Intellectual disability, X-linked 102 (MRXSSB). Also called: Intellectual developmental disorder, X-linked syndromic, Snijders Blok type. Identifiers: Orphanet 457260, MedGen C5393299, MONDO:0010497, OMIM 300958.

Submission:

3billion
Classification: Uncertain significance for Intellectual disability, X-linked 102. Last evaluated: 2025-05-07. Review status: criteria provided, single submitter. Criteria: ACMG Guidelines, 2015. Collection method: clinical testing. Allele origin: germline. Affected: yes.
Comment: The variant is not observed in the gnomAD v4.1.0 dataset. Predicted Consequence/Location: Synonymous variant In silico tools predict the variant to alter splicing and produce an abnormal transcript [SpliceAI: 0.81 (>=0.2, moderate evidence for spliceogenicity)]. Therefore, this variant is classified as VUS according to the recommendation of ACMG/AMP guideline.

NM_001356.5(DDX3X):c.240G>T (p.Gly80=)

Gene: DDX3X (DEAD-box helicase 3 X-linked; plus strand). Cytogenetic location: Xp11.4.
Variant type: single nucleotide variant.
Coding change: c.240G>T on transcript NM_001356.5 (MANE Select); coding-DNA position 240, G replaced by T.
Protein change: p.Gly80=; no amino-acid change (glycine 80 retained).
Molecular consequence: synonymous variant. On other transcripts: 5 prime UTR variant (1), non-coding transcript variant (1).
Genome position (GRCh38, 1-based): chrX:41,341,572, G>T. VCF-style: chrX-41341572-G-T. GRCh37 (hg19) VCF-style: chrX-41200825-G-T.
Other names: c.240G>T, p.Gly80= (NM_001193416.3); c.192G>T, p.Gly64= (NM_001193417.3); c.-319G>T (NM_001363819.1).
Identifiers: ClinVar variation 4854917 (VCV004854917.1).